The following is an entry in ClinVar:

NM_213602.3(SIGLEC15):c.503C>G (p.Pro168Arg)

Genes: EPG5 (ectopic P-granules 5 autophagy tethering factor; minus strand), SIGLEC15 (sialic acid binding Ig like lectin 15; plus strand). Cytogenetic location: 18q12.3.
Variant type: single nucleotide variant.
Coding change: c.503C>G on transcript NM_213602.3 (MANE Select); coding-DNA position 503, C replaced by G.
Protein change: p.Pro168Arg; replaces proline 168 with arginine.
Molecular consequence: missense variant. On other transcripts: intron variant (1).
Genome position (GRCh38, 1-based): chr18:45,838,724, C>G. VCF-style: chr18-45838724-C-G. GRCh37 (hg19) VCF-style: chr18-43418689-C-G.
Other names: c.7557+16849G>C (NM_001410858.1); short protein forms P168R.
Identifiers: ClinVar variation 2648697 (VCV002648697.22), dbSNP rs200427190, ClinGen allele CA8947747.

ClinVar aggregate classification (germline): Uncertain significance (1 of 4 stars; one submission).

Allele frequency attached by ClinVar (database versions not stated): gnomAD 0.00026; TOPMed 0.00024; ExAC 0.00045.

Submission:

CeGaT Center for Human Genetics Tuebingen
Classification: Uncertain significance. Last evaluated: 2026-03-01. Review status: criteria provided, single submitter. Criteria: CeGaT Center For Human Genetics Tuebingen Variant Classification Criteria Version 2. Collection method: clinical testing. Allele origin: germline. Affected: yes. Observed: 2 variant alleles.
Comment: SIGLEC15: PP3